The following is an entry in ClinVar:

NM_004387.4(NKX2-5):c.436T>C (p.Ser146Pro)

Gene: NKX2-5 (NK2 homeobox 5; minus strand). Cytogenetic location: 5q35.1.
Variant type: single nucleotide variant.
Coding change: c.436T>C on transcript NM_004387.4 (MANE Select); coding-DNA position 436, T replaced by C.
Protein change: p.Ser146Pro; replaces serine 146 with proline.
Molecular consequence: missense variant. On other transcripts: 3 prime UTR variant (2).
Genome position (GRCh38, 1-based): chr5:173,233,108, A>G on the plus strand (T>C on the coding strand, the complement: NKX2-5 is on the minus strand). VCF-style: chr5-173233108-A-G. GRCh37 (hg19) VCF-style: chr5-172660111-A-G.
Other names: c.*389T>C (NM_001166175.2); c.*235T>C (NM_001166176.2); short protein forms S146P.
Identifiers: ClinVar variation 2443653 (VCV002443653.2), dbSNP rs1425850321, ClinGen allele CA362161870.

ClinVar aggregate classification (germline): Uncertain significance. Review status: criteria provided, multiple submitters, no conflicts (2 of 4 stars). 2 submissions from 2 submitters: Uncertain significance (2). Last evaluated 2024-03-14.

Submissions (2):

Blueprint Genetics
Classification: Uncertain significance. Last evaluated: 2024-03-14. Review status: criteria provided, single submitter. Criteria: ACMG Guidelines, 2015. Collection method: clinical testing. Allele origin: germline.

GeneDx
Classification: Uncertain significance. Last evaluated: 2022-09-08. Review status: criteria provided, single submitter. Criteria: GeneDx Variant Classification Process June 2021. Collection method: clinical testing. Allele origin: germline. Affected: yes.
Comment: Has not been previously published as pathogenic or benign to our knowledge; Not observed at significant frequency in large population cohorts (gnomAD); In silico analysis supports that this missense variant has a deleterious effect on protein structure/function